The following continues an entry in ClinVar:

NM_018082.6(POLR3B):c.1568T>A (p.Val523Glu)

Gene: POLR3B. ClinVar aggregate classification (germline): Pathogenic/Likely pathogenic. Pathogenic (22); Likely pathogenic (4).

Submissions 26 to 35 of 35:

Genome Diagnostics Laboratory, University Medical Center Utrecht
Classification: Pathogenic for Leukodystrophy, hypomyelinating, 8, with or without oligodontia and/or hypogonadotropic hypogonadism. Last evaluated: 2017-07-28. Review status: criteria provided, single submitter. Criteria: ACGS Guidelines, 2013. Collection method: clinical testing. Allele origin: germline. Affected: yes. Study: VKGL Data-share Consensus.

Undiagnosed Diseases Network, NIH
Classification: Pathogenic for Leukodystrophy, hypomyelinating, 8, with or without oligodontia and/or hypogonadotropic hypogonadism. Last evaluated: 2022-04-01. Review status: no assertion criteria provided. Collection method: clinical testing. Allele origin: maternal. Affected: yes. Observed: 1 variant allele, 1 compound heterozygote. Not counted in ClinVar's aggregate classification.

Biochimie-Hormonologie, Robert Debre Hospital
Classification: Pathogenic. Last evaluated: 2016-12-21. Review status: no assertion criteria provided. Collection method: clinical testing. Allele origin: germline. Inheritance: Autosomal recessive inheritance. Affected: yes. Observed: 1 variant allele. Not counted in ClinVar's aggregate classification.

Yale Center for Mendelian Genomics, Yale University
Classification: association for Hypogonadotropic hypogonadism. Last evaluated: 2016-08-10. Review status: no assertion criteria provided. Collection method: literature only. Allele origin: de novo. Affected: yes. Observed: 1 compound heterozygote. Study: Yale Center for Mendelian Genomics. Not counted in ClinVar's aggregate classification.

Genome Diagnostics Laboratory, Amsterdam University Medical Center
Classification: Pathogenic for Leukodystrophy, hypomyelinating, 8, with or without oligodontia and/or hypogonadotropic hypogonadism. Last evaluated: 2015-01-30. Review status: no assertion criteria provided. Criteria: ACGS Guidelines, 2013. Collection method: clinical testing. Allele origin: germline. Affected: yes. Study: VKGL Data-share Consensus. Not counted in ClinVar's aggregate classification.

OMIM
Classification: Pathogenic for LEUKODYSTROPHY, HYPOMYELINATING, 8, WITH HYPODONTIA AND HYPOGONADOTROPIC HYPOGONADISM. Last evaluated: 2011-11-11. Review status: no assertion criteria provided. Collection method: literature only. Allele origin: germline. Not counted in ClinVar's aggregate classification.

Clinical Genetics DNA and cytogenetics Diagnostics Lab, Erasmus MC, Erasmus Medical Center
Classification: Pathogenic. Review status: no assertion criteria provided. Collection method: clinical testing. Allele origin: germline. Affected: yes. Study: VKGL Data-share Consensus. Not counted in ClinVar's aggregate classification.

GeneReviews
No classification provided. Condition: Leukodystrophy, hypomyelinating, 8, with or without oligodontia and/or hypogonadotropic hypogonadism. Review status: no classification provided. Collection method: literature only. Allele origin: germline. Not counted in ClinVar's aggregate classification.

Genomics England Pilot Project, Genomics England
Classification: Pathogenic for Leukodystrophy, hypomyelinating, 8, with or without oligodontia and/or hypogonadotropic hypogonadism. Review status: no assertion criteria provided. Criteria: ACGS Guidelines, 2016. Collection method: clinical testing. Allele origin: germline. Affected: yes. Not counted in ClinVar's aggregate classification.

Joint Genome Diagnostic Labs from Nijmegen and Maastricht, Radboudumc and MUMC+
Classification: Likely pathogenic. Review status: no assertion criteria provided. Collection method: clinical testing. Allele origin: germline. Affected: yes. Study: VKGL Data-share Consensus. Not counted in ClinVar's aggregate classification.

Literature cited by the submitters: PubMed 22036172 (cited by 8 submitters); PubMed 25339210 (cited by 7 submitters); PubMed 23355746 (cited by 7 submitters); PubMed 28589944 (cited by Dasa and OMIM); PubMed 32319736 (cited by 3 submitters); PubMed 35253369 (cited by Women's Health and Genetics/Laboratory Corporation of America, LabCorp); PubMed 27512013 (cited by Molecular Diagnostics Lab, Nemours Children's Health, Delaware and Yale Center for Mendelian Genomics, Yale University); PubMed 26204956 (cited by Illumina Laboratory Services, Illumina); PubMed 26045207 (cited by GeneReviews); PubMed 24190003 (cited by GeneReviews); PubMed 22855961 (cited by GeneReviews).